The following is an entry in ClinVar:

NM_000271.5(NPC1):c.3048T>C (p.His1016=)

Gene: NPC1 (NPC intracellular cholesterol transporter 1; minus strand). Cytogenetic location: 18q11.2.
Variant type: single nucleotide variant.
Coding change: c.3048T>C on transcript NM_000271.5 (MANE Select); coding-DNA position 3048, T replaced by C.
Protein change: p.His1016=; no amino-acid change (histidine 1016 retained).
Molecular consequence: synonymous variant.
Genome position (GRCh38, 1-based): chr18:23,536,870, A>G on the plus strand (T>C on the coding strand, the complement: NPC1 is on the minus strand). VCF-style: chr18-23536870-A-G. GRCh37 (hg19) VCF-style: chr18-21116834-A-G.
Other names: c.3048T>C (NM_000271.4).
Identifiers: ClinVar variation 1158445 (VCV001158445.11), dbSNP rs369362891, ClinGen allele CA8912864.

ClinVar aggregate classification (germline): Likely benign. Review status: criteria provided, single submitter (1 of 4 stars). 2 submissions from 2 submitters: Likely benign (1). 1 of the submissions does not count toward it. Last evaluated 2025-05-12.

Conditions:
NPC1-related disorder. Also called: NPC1-related condition.
Niemann-Pick disease, type C1. Also called: NIEMANN-PICK DISEASE, VARIANT TYPE C1; NEUROVISCERAL STORAGE DISEASE WITH VERTICAL SUPRANUCLEAR OPHTHALMOPLEGIA; NIEMANN-PICK DISEASE WITH CHOLESTEROL ESTERIFICATION BLOCK; NIEMANN-PICK DISEASE WITHOUT SPHINGOMYELINASE DEFICIENCY; NIEMANN-PICK DISEASE, CHRONIC NEURONOPATHIC FORM. Identifiers: Orphanet 646, MedGen C3179455, MONDO:0009757, OMIM 257220.

Allele frequency attached by ClinVar (database versions not stated): gnomAD exomes below 0.00001 and 0.00002; ExAC 0.00001; gnomAD 0.00002 and 0.00003; TOPMed 0.00003; ESP Exome Variant Server 0.00008.
gnomAD v4.1: 40 of 1,613,658 alleles (0.0025%); highest among the groups gnomAD compares: Non-Finnish European, 0.0031%; no homozygotes.

Submissions (2):

Labcorp Genetics (formerly Invitae), Labcorp
Classification: Likely benign for Niemann-Pick disease, type C1. Last evaluated: 2025-05-12. Review status: criteria provided, single submitter. Criteria: Invitae Variant Classification Sherloc (09022015). Collection method: clinical testing. Allele origin: germline.

PreventionGenetics, part of Exact Sciences
Classification: Likely benign for NPC1-related condition. Last evaluated: 2023-05-04. Review status: no assertion criteria provided. Collection method: clinical testing. Allele origin: germline. Not counted in ClinVar's aggregate classification.
Comment: This variant is classified as likely benign based on ACMG/AMP sequence variant interpretation guidelines (Richards et al. 2015 PMID: 25741868, with internal and published modifications).